The following is an entry in ClinVar:

ClinVar aggregate classification (germline): Conflicting classifications of pathogenicity. Review status: criteria provided, conflicting classifications (1 of 4 stars). 4 submissions from 4 submitters: Pathogenic (2); Uncertain significance (2). Last evaluated 2025-03-17.

Conditions:
Dilated cardiomyopathy 1G (CMD1G). Identifiers: Orphanet 154, MedGen C1858763, MONDO:0011400, OMIM 604145.
Autosomal recessive limb-girdle muscular dystrophy type 2J (LGMDR10). Also called: MUSCULAR DYSTROPHY, LIMB-GIRDLE, AUTOSOMAL RECESSIVE 10; Limb-girdle muscular dystrophy, type 2J. Identifiers: Orphanet 140922, MedGen C1837342, MONDO:0012127, OMIM 608807.
Myopathy, myofibrillar, 9, with early respiratory failure (MFM9). Also called: Myopathy, distal, with early respiratory failure, autosomal dominant; EDSTROM MYOPATHY; MYOPATHY, PROXIMAL, WITH EARLY RESPIRATORY MUSCLE INVOLVEMENT; Hereditary myopathy with early respiratory failure. Identifiers: Orphanet 178464, Orphanet 34521, MedGen C1863599, MONDO:0011362, OMIM 603689.

Submissions (4):

Women's Health and Genetics/Laboratory Corporation of America, LabCorp
Classification: Pathogenic for Myopathy, myofibrillar, 9, with early respiratory failure. Last evaluated: 2025-03-17. Review status: criteria provided, single submitter. Criteria: LabCorp Variant Classification Summary - May 2015. Collection method: clinical testing. Allele origin: germline.
Comment: Variant summary: TTN c.87647C>T (p.Ala29216Val) results in a non-conservative amino acid change in the encoded protein sequence. Five of five in-silico tools predict a damaging effect of the variant on protein function. The variant was absent in 248626 control chromosomes. c.87647C>T has been reported in the literature in multiple individuals affected with Myopathy, Myofibrillar, 9, With Early Respiratory Failure (Palmio_2019; Labcorp, formerly Invitae). These data indicate that the variant is very likely to be associated with disease. To our knowledge, no experimental evidence demonstrating an impact on protein function has been reported. The following publications have been ascertained in the context of this evaluation (PMID: 30666435, 32039858). ClinVar contains an entry for this variant (Variation ID: 497143). Based on the evidence outlined above, the variant was classified as pathogenic.

Labcorp Genetics (formerly Invitae), Labcorp
Classification: Pathogenic for Dilated cardiomyopathy 1G; Autosomal recessive limb-girdle muscular dystrophy type 2J. Last evaluated: 2024-07-20. Review status: criteria provided, single submitter. Criteria: Invitae Variant Classification Sherloc (09022015). Collection method: clinical testing. Allele origin: germline.
Comment: This sequence change replaces alanine, which is neutral and non-polar, with valine, which is neutral and non-polar, at codon 31784 of the TTN protein (p.Ala31784Val). This variant is not present in population databases (gnomAD no frequency). This missense change has been observed in individuals with hereditary myopathy with early respiratory failure (PMID: 30666435; Invitae). It has also been observed to segregate with disease in related individuals. ClinVar contains an entry for this variant (Variation ID: 497143). Experimental studies and prediction algorithms are not available or were not evaluated, and the functional significance of this variant is currently unknown. This variant is located in the A band of TTN (PMID: 25589632). Variants in this region may be relevant for cardiac or neuromuscular disorders (PMID: 25589632, 23975875). For these reasons, this variant has been classified as Pathogenic.

Revvity Omics, Revvity
Classification: Uncertain significance. Last evaluated: 2023-11-30. Review status: criteria provided, single submitter. Criteria: ACMG Guidelines, 2015. Collection method: clinical testing. Allele origin: germline.

Eurofins Ntd Llc (ga)
Classification: Uncertain significance. Last evaluated: 2017-04-27. Review status: criteria provided, single submitter. Criteria: EGL Classification Definitions 2015. Collection method: clinical testing. Allele origin: germline. Observed: 2 variant alleles, 2 heterozygotes.

Literature cited by the submitters: PubMed 32039858 (cited by Women's Health and Genetics/Laboratory Corporation of America, LabCorp); PubMed 30666435 (cited by Women's Health and Genetics/Laboratory Corporation of America, LabCorp and Labcorp Genetics (formerly Invitae), Labcorp); PubMed 25589632 (cited by Labcorp Genetics (formerly Invitae), Labcorp); PubMed 23975875 (cited by Labcorp Genetics (formerly Invitae), Labcorp).

NM_001267550.2(TTN):c.95351C>T (p.Ala31784Val)

Genes: TTN (titin; minus strand), TTN-AS1 (TTN antisense RNA 1; plus strand). Cytogenetic location: 2q31.2.
Variant type: single nucleotide variant.
Coding change: c.95351C>T on transcript NM_001267550.2 (MANE Select); coding-DNA position 95351, C replaced by T.
Protein change: p.Ala31784Val; replaces alanine 31784 with valine.
Molecular consequence: missense variant.
Genome position (GRCh38, 1-based): chr2:178,545,885, G>A on the plus strand (C>T on the coding strand, the complement: TTN is on the minus strand). VCF-style: chr2-178545885-G-A. GRCh37 (hg19) VCF-style: chr2-179410612-G-A.
Other names: c.90428C>T, p.Ala30143Val (NM_001256850.1); c.68156C>T, p.Ala22719Val (NM_003319.4); c.87647C>T, p.Ala29216Val (NM_133378.4); c.68531C>T, p.Ala22844Val (NM_133432.3); c.68732C>T, p.Ala22911Val (NM_133437.4); short protein forms A29216V, A31784V, A22911V, A30143V, A22719V, A22844V.
Identifiers: ClinVar variation 497143 (VCV000497143.15), dbSNP rs1553520967, ClinGen allele CA349462688.
Genomic context (GRCh38, chr2:178,545,885, plus strand): 5'-GAGTTTCTGGCTACAATTGGCTCTGATTCAACAGGCACACCAGGGCCATATTTGTTTACT[G>A]CCCTCACTCGGAATATGTACTCATTGTTCTTGATGAGCCTGGTAACGACATAGGATAGGG-3'
Protein context (NP_001254479.2, residues 31774-31794): KNNEYIFRVR[Ala31784Val]VNKYGPGVPV